The following is an entry in ClinVar:

NM_000883.4(IMPDH1):c.347C>T (p.Thr116Ile)

Gene: IMPDH1 (inosine monophosphate dehydrogenase 1; minus strand). Cytogenetic location: 7q32.1.
Variant type: single nucleotide variant.
Coding change: c.347C>T on transcript NM_000883.4 (MANE Select); coding-DNA position 347, C replaced by T.
Protein change: p.Thr116Ile; replaces threonine 116 with isoleucine.
Molecular consequence: missense variant. On other transcripts: intron variant (2).
Genome position (GRCh38, 1-based): chr7:128,405,773, G>A on the plus strand (C>T on the coding strand, the complement: IMPDH1 is on the minus strand). VCF-style: chr7-128405773-G-A. GRCh37 (hg19) VCF-style: chr7-128045827-G-A.
Other names: c.317C>T, p.Thr106Ile (NM_001102605.2); c.92C>T, p.Thr31Ile (NM_001142573.2, NM_001142574.2, NM_001142575.2); c.239C>T, p.Thr80Ile (NM_183243.3); c.147-2019C>T (NM_001304521.2); c.255-2019C>T (NM_001142576.2); short protein forms T116I, T31I, T80I, T106I.
Identifiers: ClinVar variation 4772945 (VCV004772945.1).

ClinVar aggregate classification (germline): Uncertain significance (1 of 4 stars; one submission).

gnomAD v4.1: 1 of 1,538,118 alleles (0.000065%); no homozygotes.

Submission:

Labcorp Genetics (formerly Invitae), Labcorp
Classification: Uncertain significance. Last evaluated: 2025-08-31. Review status: criteria provided, single submitter. Criteria: Invitae Variant Classification Sherloc (09022015). Collection method: clinical testing. Allele origin: germline.
Comment: This sequence change replaces threonine, which is neutral and polar, with isoleucine, which is neutral and non-polar, at codon 116 of the IMPDH1 protein (p.Thr116Ile). This variant is not present in population databases (gnomAD no frequency). This variant has not been reported in the literature in individuals affected with IMPDH1-related conditions. An algorithm developed to predict the effect of missense changes on protein structure and function (PolyPhen-2) suggests that this variant is likely to be disruptive. In summary, the available evidence is currently insufficient to determine the role of this variant in disease. Therefore, it has been classified as a Variant of Uncertain Significance.